The following is an entry in ClinVar:

NM_001999.4(FBN2):c.3361A>G (p.Ile1121Val)

Gene: FBN2 (fibrillin 2; minus strand). Cytogenetic location: 5q23.3.
Variant type: single nucleotide variant.
Coding change: c.3361A>G on transcript NM_001999.4 (MANE Select); coding-DNA position 3361, A replaced by G.
Protein change: p.Ile1121Val; replaces isoleucine 1121 with valine.
Molecular consequence: missense variant.
Genome position (GRCh38, 1-based): chr5:128,339,044, T>C on the plus strand (A>G on the coding strand, the complement: FBN2 is on the minus strand). VCF-style: chr5-128339044-T-C. GRCh37 (hg19) VCF-style: chr5-127674736-T-C.
Other names: short protein forms I1121V.
Identifiers: ClinVar variation 2496943 (VCV002496943.2), dbSNP rs1750921695, ClinGen allele CA360760061.

ClinVar aggregate classification (germline): Uncertain significance (1 of 4 stars; one submission).

Conditions:
Familial thoracic aortic aneurysm and aortic dissection (TAAD). Also called: Thoracic aortic aneurysms and dissections. Identifiers: Orphanet 91387, MedGen C4707243, MONDO:0019625.

Submission:

Ambry Genetics
Classification: Uncertain significance for Familial thoracic aortic aneurysm and aortic dissection. Last evaluated: 2022-11-03. Review status: criteria provided, single submitter. Criteria: Ambry Variant Classification Scheme 2023. Collection method: clinical testing. Allele origin: germline.
Comment: The p.I1121V variant (also known as c.3361A>G), located in coding exon 26 of the FBN2 gene, results from an A to G substitution at nucleotide position 3361. The isoleucine at codon 1121 is replaced by valine, an amino acid with highly similar properties. This amino acid position is highly conserved in available vertebrate species. In addition, the in silico prediction for this alteration is inconclusive. Since supporting evidence is limited at this time, the clinical significance of this alteration remains unclear.